The following is an entry in ClinVar:

ClinVar aggregate classification (germline): Uncertain significance (1 of 4 stars; one submission).

Submission:

Labcorp Genetics (formerly Invitae), Labcorp
Classification: Uncertain significance. Last evaluated: 2024-01-26. Review status: criteria provided, single submitter. Criteria: Invitae Variant Classification Sherloc (09022015). Collection method: clinical testing. Allele origin: germline.
Comment: This sequence change replaces leucine, which is neutral and non-polar, with arginine, which is basic and polar, at codon 85 of the TFAP2A protein (p.Leu85Arg). This variant is not present in population databases (gnomAD no frequency). This variant has not been reported in the literature in individuals affected with TFAP2A-related conditions. An algorithm developed to predict the effect of missense changes on protein structure and function (PolyPhen-2) suggests that this variant is likely to be disruptive. In summary, the available evidence is currently insufficient to determine the role of this variant in disease. Therefore, it has been classified as a Variant of Uncertain Significance.

NM_001372066.1(TFAP2A):c.260T>G (p.Leu87Arg)

Gene: TFAP2A (transcription factor AP-2 alpha; minus strand). Cytogenetic location: 6p24.3.
Variant type: single nucleotide variant.
Coding change: c.260T>G on transcript NM_001372066.1 (MANE Select); coding-DNA position 260, T replaced by G.
Protein change: p.Leu87Arg; replaces leucine 87 with arginine.
Molecular consequence: missense variant.
Genome position (GRCh38, 1-based): chr6:10,410,127, A>C on the plus strand (T>G on the coding strand, the complement: TFAP2A is on the minus strand). VCF-style: chr6-10410127-A-C. GRCh37 (hg19) VCF-style: chr6-10410360-A-C.
Other names: c.236T>G, p.Leu79Arg (NM_001032280.3); c.242T>G, p.Leu81Arg (NM_001042425.3); short protein forms L79R, L87R, L81R.
Identifiers: ClinVar variation 3685472 (VCV003685472.2).